The following is an entry in ClinVar:

ClinVar aggregate classification (germline): Likely benign. Review status: criteria provided, multiple submitters, no conflicts (2 of 4 stars). 4 submissions from 4 submitters: Likely benign (2). 2 of the submissions do not count toward it. Last evaluated 2023-02-14.

Conditions:
Hereditary cancer-predisposing syndrome. Also called: Tumor predisposition; Neoplastic Syndromes, Hereditary; Hereditary Cancer Syndrome; Hereditary neoplastic syndrome. Identifiers: Orphanet 140162, MedGen C0027672, MeSH D009386, MONDO:0015356.
Hereditary breast ovarian cancer syndrome. Also called: Hereditary breast and ovarian cancer; Hereditary breast and ovarian cancer syndrome (HBOC); Hereditary breast and/or ovarian cancer syndrome; Breast and ovarian cancer; Hereditary breast and ovarian cancer syndrome; BRCA1- and BRCA2-Associated Hereditary Breast and Ovarian Cancer. Identifiers: Orphanet 145, MedGen C0677776, MeSH D061325, MONDO:0003582. Disease mechanism: loss of function.
Breast and/or ovarian cancer. Identifiers: MedGen CN221562.
Breast-ovarian cancer, familial, susceptibility to, 2 (BROVCA2). Also called: BRCA2 Hereditary Breast and Ovarian Cancer. Identifiers: Orphanet 145, MedGen C2675520, MONDO:0012933, OMIM 612555. Disease mechanism: loss of function.

Allele frequency attached by ClinVar (database versions not stated): gnomAD exomes 0.00001.
gnomAD v4.1: 4 of 1,599,926 alleles (0.00025%); highest among the groups gnomAD compares: South Asian, 0.0034%; no homozygotes.

Submissions (4):

Labcorp Genetics (formerly Invitae), Labcorp
Classification: Likely benign for Hereditary breast ovarian cancer syndrome. Last evaluated: 2023-02-14. Review status: criteria provided, single submitter. Criteria: Invitae Variant Classification Sherloc (09022015). Collection method: clinical testing. Allele origin: germline.

Color Diagnostics, LLC DBA Color Health
Classification: Likely benign for Hereditary cancer-predisposing syndrome. Last evaluated: 2019-08-21. Review status: criteria provided, single submitter. Criteria: ACMG Guidelines, 2015. Collection method: clinical testing. Allele origin: germline.

Foulkes Cancer Genetics LDI, Lady Davis Institute for Medical Research
Classification: Likely benign for Breast and/or ovarian cancer. Last evaluated: 2014-01-15. Review status: no assertion criteria provided. Collection method: clinical testing. Allele origin: germline. Study: The Canadian Open Genetics Repository (COGR). Not counted in ClinVar's aggregate classification.

Department of Pathology and Laboratory Medicine, Sinai Health System
Classification: Likely benign for Breast-ovarian cancer, familial, susceptibility to, 2. Review status: no assertion criteria provided. Collection method: clinical testing. Allele origin: unknown. Affected: yes. Study: The Canadian Open Genetics Repository (COGR). Not counted in ClinVar's aggregate classification.
Comment: The BRCA2 p.Thr1656Thr variant was not identified in the literature, nor was it identified in the dbSNP, NHLBI Exome Sequencing Project (Exome Variant Server), HGMD, LOVD, COSMIC, UMD, or BIC databases. The variant is not expected to have clinical significance because it does not result in a change of amino acid and is not located in a known consensus splice site. In addition, in silico or computational prediction software programs (SpliceSiteFinder, MaxEntScan, NNSPLICE, GeneSplicer, HumanSpliceFinder) do not predict a difference in splicing. In summary, based on the above information, the clinical significance of this variant cannot be determined with certainty at this time although we would lean towards a more benign role for this variant. This variant is classified as predicted benign.

NM_000059.4(BRCA2):c.4968A>G (p.Thr1656=)

Gene: BRCA2 (BRCA2 DNA repair associated; plus strand). Cytogenetic location: 13q13.1.
Variant type: single nucleotide variant.
Coding change: c.4968A>G on transcript NM_000059.4 (MANE Select); coding-DNA position 4968, A replaced by G.
Protein change: p.Thr1656=; no amino-acid change (threonine 1656 retained).
Molecular consequence: synonymous variant.
Genome position (GRCh38, 1-based): chr13:32,339,323, A>G. VCF-style: chr13-32339323-A-G. GRCh37 (hg19) VCF-style: chr13-32913460-A-G.
Identifiers: ClinVar variation 415670 (VCV000415670.12), dbSNP rs1060504597, ClinGen allele CA16614153.
Genomic context (GRCh38, chr13:32,339,323, plus strand): 5'-AGTTAAAGTACATGAAAATGTAGAAAAAGAAACAGCAAAAAGTCCTGCAACTTGTTACAC[A>G]AATCAGTCCCCTTATTCAGTCATTGAAAATTCAGCCTTAGCTTTTTACACAAGTTGTAGT-3'
Protein context (NP_000050.3, residues 1646-1666): ETAKSPATCY[Thr1656=]NQSPYSVIEN